The following is an entry in ClinVar:

ClinVar aggregate classification (germline): Benign/Likely benign. Review status: criteria provided, multiple submitters, no conflicts (2 of 4 stars). 6 submissions from 6 submitters: Benign (2); Likely benign (3). 1 of the submissions does not count toward it. Last evaluated 2026-02-01.

Conditions:
Fraser syndrome 3. Identifiers: MedGen C4540040, MONDO:0054739, OMIM 617667.
Intellectual disability. Also called: Intellectual developmental disorder; Intellectual functioning disability; intellectual disabilities. Identifiers: MedGen C3714756, MeSH D008607, MONDO:0001071, HP:0001249.

Allele frequency attached by ClinVar (database versions not stated): 1000 Genomes Project 30x 0.00281; 1000 Genomes Project 0.00300; ExAC 0.00545; gnomAD 0.00569 and 0.00595; gnomAD exomes 0.00584 and 0.00901; TOPMed 0.00598; ESP Exome Variant Server 0.00642.
gnomAD v4.1: 14,023 of 1,613,838 alleles (0.87%); highest among the groups gnomAD compares: Non-Finnish European, 1.1%; 79 homozygotes.

Submissions (6):

CeGaT Center for Human Genetics Tuebingen
Classification: Benign. Last evaluated: 2026-02-01. Review status: criteria provided, single submitter. Criteria: CeGaT Center For Human Genetics Tuebingen Variant Classification Criteria Version 2. Collection method: clinical testing. Allele origin: germline. Affected: yes. Observed: 4 variant alleles.
Comment: GRIP1: BP4, BS1, BS2

Labcorp Genetics (formerly Invitae), Labcorp
Classification: Benign. Last evaluated: 2026-01-28. Review status: criteria provided, single submitter. Criteria: Invitae Variant Classification Sherloc (09022015). Collection method: clinical testing. Allele origin: germline.

Illumina Laboratory Services, Illumina
Classification: Likely benign for Fraser syndrome 3. Last evaluated: 2018-01-13. Review status: criteria provided, single submitter. Criteria: ICSL Variant Classification Criteria 13 December 2019. Collection method: clinical testing. Allele origin: germline.
Comment: This variant was observed in the ICSL laboratory as part of a predisposition screen in an ostensibly healthy population. It had not been previously curated by ICSL or reported in the Human Gene Mutation Database (HGMD: prior to June 1st, 2018), and was therefore a candidate for classification through an automated scoring system. Utilizing variant allele frequency, disease prevalence and penetrance estimates, and inheritance mode, an automated score was calculated to assess if this variant is too frequent to cause the disease. Based on the score and internal cut-off values, a variant classified as likely benign is not then subjected to further curation. The score for this variant resulted in a classification of likely benign for this disease.

Eurofins Ntd Llc (ga)
Classification: Likely benign. Last evaluated: 2014-10-20. Review status: criteria provided, single submitter. Criteria: EGL Classification Definitions 2015. Collection method: clinical testing. Allele origin: germline. Observed: 2 variant alleles, 2 heterozygotes.

Breakthrough Genomics
Classification: Likely benign. Review status: criteria provided, single submitter. Criteria: ACMG Guidelines, 2015. Collection method: not provided. Allele origin: germline. Inheritance: Autosomal recessive inheritance. Affected: yes.

Centre de Biologie Pathologie Génétique, Centre Hospitalier Universitaire de Lille
Classification: Likely benign for Intellectual disability. Last evaluated: 2019-01-01. Review status: no assertion criteria provided. Collection method: clinical testing. Allele origin: inherited. Affected: yes. Not counted in ClinVar's aggregate classification.

NM_001366722.1(GRIP1):c.2606G>A (p.Arg869Gln)

Gene: GRIP1 (glutamate receptor interacting protein 1; minus strand). Cytogenetic location: 12q14.3.
Variant type: single nucleotide variant.
Coding change: c.2606G>A on transcript NM_001366722.1 (MANE Select); coding-DNA position 2606, G replaced by A.
Protein change: p.Arg869Gln; replaces arginine 869 with glutamine.
Molecular consequence: missense variant.
Genome position (GRCh38, 1-based): chr12:66,379,295, C>T on the plus strand (G>A on the coding strand, the complement: GRIP1 is on the minus strand). VCF-style: chr12-66379295-C-T. GRCh37 (hg19) VCF-style: chr12-66773075-C-T.
Other names: c.2450G>A, p.Arg817Gln (NM_001178074.2, NM_021150.4); c.2525G>A, p.Arg842Gln (NM_001366723.1); c.2528G>A, p.Arg843Gln (NM_001366724.1); short protein forms R817Q, R843Q, R842Q, R869Q.
Identifiers: ClinVar variation 194984 (VCV000194984.43), dbSNP rs145115262, ClinGen allele CA201478.